The following is an entry in ClinVar:

NM_024675.4(PALB2):c.464T>G (p.Phe155Cys)

Gene: PALB2 (partner and localizer of BRCA2; minus strand). Cytogenetic location: 16p12.2.
Variant type: single nucleotide variant.
Coding change: c.464T>G on transcript NM_024675.4 (MANE Select); coding-DNA position 464, T replaced by G.
Protein change: p.Phe155Cys; replaces phenylalanine 155 with cysteine.
Molecular consequence: missense variant.
Genome position (GRCh38, 1-based): chr16:23,636,082, A>C on the plus strand (T>G on the coding strand, the complement: PALB2 is on the minus strand). VCF-style: chr16-23636082-A-C. GRCh37 (hg19) VCF-style: chr16-23647403-A-C.
Other names: short protein forms F155C.
Identifiers: ClinVar variation 946917 (VCV000946917.11), dbSNP rs1167005475, ClinGen allele CA395137168.

ClinVar aggregate classification (germline): Uncertain significance. Review status: criteria provided, multiple submitters, no conflicts (2 of 4 stars). 2 submissions from 2 submitters: Uncertain significance (2). Last evaluated 2026-01-18.

Conditions:
Hereditary cancer-predisposing syndrome. Also called: Tumor predisposition; Hereditary neoplastic syndrome; Hereditary Cancer Syndrome; Neoplastic Syndromes, Hereditary. Identifiers: Orphanet 140162, MedGen C0027672, MeSH D009386, MONDO:0015356.
Familial cancer of breast. Also called: BREAST CANCER, FAMILIAL; Hereditary breast cancer; hereditary breast carcinoma. Identifiers: Orphanet 227535, MedGen C0346153, MONDO:0016419, OMIM 114480. Disease mechanism: loss of function.

Submissions (2):

Ambry Genetics
Classification: Uncertain significance for Hereditary cancer-predisposing syndrome. Last evaluated: 2026-01-18. Review status: criteria provided, single submitter. Criteria: Ambry Variant Classification Scheme 2023. Collection method: clinical testing. Allele origin: germline.
Comment: The p.F155C variant (also known as c.464T>G), located in coding exon 4 of the PALB2 gene, results from a T to G substitution at nucleotide position 464. The phenylalanine at codon 155 is replaced by cysteine, an amino acid with highly dissimilar properties. This amino acid position is conserved. In addition, this alteration is predicted to be tolerated by in silico analysis. Based on the available evidence, the clinical significance of this variant remains unclear.

Labcorp Genetics (formerly Invitae), Labcorp
Classification: Uncertain significance for Familial cancer of breast. Last evaluated: 2019-06-05. Review status: criteria provided, single submitter. Criteria: Invitae Variant Classification Sherloc (09022015). Collection method: clinical testing. Allele origin: germline.
Comment: In summary, the available evidence is currently insufficient to determine the role of this variant in disease. Therefore, it has been classified as a Variant of Uncertain Significance. Algorithms developed to predict the effect of missense changes on protein structure and function (SIFT, PolyPhen-2, Align-GVGD) all suggest that this variant is likely to be tolerated, but these predictions have not been confirmed by published functional studies and their clinical significance is uncertain. This variant has not been reported in the literature in individuals with PALB2-related conditions. This variant is not present in population databases (ExAC no frequency). This sequence change replaces phenylalanine with cysteine at codon 155 of the PALB2 protein (p.Phe155Cys). The phenylalanine residue is weakly conserved and there is a large physicochemical difference between phenylalanine and cysteine.